The following is an entry in ClinVar:

ClinVar aggregate classification (germline): Likely benign (1 of 4 stars; one submission).

gnomAD v4.1: 1,012 of 1,613,992 alleles (0.063%); highest among the groups gnomAD compares: Non-Finnish European, 0.078%; 1 homozygote.

Submission:

CeGaT Center for Human Genetics Tuebingen
Classification: Likely benign. Last evaluated: 2025-12-01. Review status: criteria provided, single submitter. Criteria: CeGaT Center For Human Genetics Tuebingen Variant Classification Criteria Version 2. Collection method: clinical testing. Allele origin: germline. Affected: yes. Observed: 1 variant allele.
Comment: WLS: BP4, BP7

NM_024911.7(WLS):c.429C>T (p.Asp143=)

Genes: GNG12-AS1 (GNG12, DIRAS3 and WLS antisense RNA 1; plus strand), WLS (Wnt ligand secretion mediator; minus strand). Cytogenetic location: 1p31.3.
Variant type: single nucleotide variant.
Coding change: c.429C>T on transcript NM_024911.7 (MANE Select); coding-DNA position 429, C replaced by T.
Protein change: p.Asp143=; no amino-acid change (aspartic acid 143 retained).
Molecular consequence: synonymous variant.
Genome position (GRCh38, 1-based): chr1:68,159,198, G>A on the plus strand (C>T on the coding strand, the complement: WLS is on the minus strand). VCF-style: chr1-68159198-G-A. GRCh37 (hg19) VCF-style: chr1-68624881-G-A.
Other names: c.423C>T, p.Asp141= (NM_001002292.4); c.156C>T, p.Asp52= (NM_001193334.1).
Identifiers: ClinVar variation 4820759 (VCV004820759.4).